The following is an entry in ClinVar:

ClinVar aggregate classification (germline): Uncertain significance (1 of 4 stars; one submission).

Allele frequency attached by ClinVar (database versions not stated): TOPMed 0.00003; gnomAD 0.00004; gnomAD exomes 0.00005.

Submission:

Labcorp Genetics (formerly Invitae), Labcorp
Classification: Uncertain significance. Last evaluated: 2022-06-19. Review status: criteria provided, single submitter. Criteria: Invitae Variant Classification Sherloc (09022015). Collection method: clinical testing. Allele origin: germline.
Comment: This sequence change replaces arginine, which is basic and polar, with histidine, which is basic and polar, at codon 262 of the HMOX1 protein (p.Arg262His). This variant is present in population databases (no rsID available, gnomAD 0.01%). This variant has not been reported in the literature in individuals affected with HMOX1-related conditions. Algorithms developed to predict the effect of missense changes on protein structure and function output the following: SIFT: "Tolerated"; PolyPhen-2: "Benign"; Align-GVGD: "Class C0". The histidine amino acid residue is found in multiple mammalian species, which suggests that this missense change does not adversely affect protein function. In summary, the available evidence is currently insufficient to determine the role of this variant in disease. Therefore, it has been classified as a Variant of Uncertain Significance.

NM_002133.3(HMOX1):c.785G>A (p.Arg262His)

Gene: HMOX1 (heme oxygenase 1; plus strand). Cytogenetic location: 22q12.3.
Variant type: single nucleotide variant.
Coding change: c.785G>A on transcript NM_002133.3 (MANE Select); coding-DNA position 785, G replaced by A.
Protein change: p.Arg262His; replaces arginine 262 with histidine.
Molecular consequence: missense variant.
Genome position (GRCh38, 1-based): chr22:35,393,516, G>A. VCF-style: chr22-35393516-G-A. GRCh37 (hg19) VCF-style: chr22-35789509-G-A.
Other names: short protein forms R262H.
Identifiers: ClinVar variation 1981178 (VCV001981178.1), dbSNP rs1297383655, ClinGen allele CA411354242.